The following is an entry in ClinVar:

NM_012203.2(GRHPR):c.228del (p.Val77fs)

Gene: GRHPR (glyoxylate and hydroxypyruvate reductase; plus strand). Cytogenetic location: 9p13.2.
Variant type: Deletion.
Coding change: c.228del on transcript NM_012203.2 (MANE Select); coding-DNA position 228, one base deleted (A; older notation c.228delA).
Protein change: p.Val77fs; shifts the reading frame from valine 77.
Molecular consequence: frameshift variant.
Genome position (GRCh38, 1-based): chr9:37,425,935, A deleted; the last of 3 consecutive A bases (chr9:37,425,933-37,425,935); deleting any one gives the same sequence. VCF-style (leftmost placement, unchanged base first): chr9-37425932-CA-C. GRCh37 (hg19) VCF-style: chr9-37425929-CA-C.
Other names: short protein forms V77fs.
Identifiers: ClinVar variation 5014071 (VCV005014071.1).

ClinVar aggregate classification (germline): Pathogenic (1 of 4 stars; one submission).

Conditions:
Primary hyperoxaluria, type II (HP2). Also called: D-GLYCERATE DEHYDROGENASE DEFICIENCY; GLYCERIC ACIDURIA; GLYOXYLATE REDUCTASE/HYDROXYPYRUVATE REDUCTASE DEFICIENCY; OXALOSIS II; Primary hyperoxaluria type 2. Identifiers: Orphanet 416, Orphanet 93599, MedGen C0268165, MONDO:0009824, OMIM 260000. Disease mechanism: loss of function.

Submission:

Myriad Genetics, Inc.
Classification: Pathogenic for Primary hyperoxaluria, type II. Last evaluated: 2025-02-07. Review status: criteria provided, single submitter. Criteria: Myriad Autosomal Dominant, Autosomal Recessive and X-Linked Classification Criteria (2023). Collection method: clinical testing. Allele origin: unknown.
Comment: NM_012203.1(GRHPR):c.228delA(V77Sfs*31) is expected to be pathogenic in the context of primary hyperoxaluria type 2. This variant is predicted to lead to an abnormal or absent protein product due to the creation of a premature termination codon in GRHPR, a gene where loss-of-function variants are known to be pathogenic. Please note: this variant was assessed in the context of healthy population screening.